The following is an entry in ClinVar:

ClinVar aggregate classification (germline): Uncertain significance. Review status: criteria provided, multiple submitters, no conflicts (2 of 4 stars). 2 submissions from 2 submitters: Uncertain significance (2). Last evaluated 2025-11-11.

Conditions:
Hemolytic uremic syndrome, atypical, susceptibility to, 1. Also called: AHUS, SUSCEPTIBILITY TO, 1. Identifiers: Orphanet 2134, Orphanet 90038, MedGen C2749604, MONDO:0009335, OMIM 235400. Disease mechanism: Other.

Allele frequency attached by ClinVar (database versions not stated): gnomAD exomes 0.00001; TOPMed below 0.00001.
gnomAD v4.1: 4 of 1,614,124 alleles (0.00025%); highest among the groups gnomAD compares: Middle Eastern, 0.016%; no homozygotes.

Submissions (2):

Labcorp Genetics (formerly Invitae), Labcorp
Classification: Uncertain significance. Last evaluated: 2025-11-11. Review status: criteria provided, single submitter. Criteria: Invitae Variant Classification Sherloc (09022015). Collection method: clinical testing. Allele origin: germline.
Comment: This sequence change replaces serine, which is neutral and polar, with asparagine, which is neutral and polar, at codon 1035 of the CFH protein (p.Ser1035Asn). This variant is present in population databases (no rsID available, gnomAD 0.0009%). This variant has not been reported in the literature in individuals affected with CFH-related conditions. ClinVar contains an entry for this variant (Variation ID: 3236014). An algorithm developed to predict the effect of missense changes on protein structure and function (PolyPhen-2) suggests that this variant is likely to be tolerated. In summary, the available evidence is currently insufficient to determine the role of this variant in disease. Therefore, it has been classified as a Variant of Uncertain Significance.

MVZ Medizinische Genetik Mainz
Classification: Uncertain significance for Hemolytic uremic syndrome, atypical, susceptibility to, 1. Last evaluated: 2021-09-10. Review status: criteria provided, single submitter. Criteria: UK Practice Guidelines For Variant Classification V4 01 2020. Collection method: clinical testing. Allele origin: germline. Inheritance: Autosomal dominant inheritance. Observed: 1 variant allele.
Comment: ACMG Criteria: PM2_SUP, PP4, BP4

NM_000186.4(CFH):c.3104G>A (p.Ser1035Asn)

Gene: CFH (complement factor H; plus strand). Cytogenetic location: 1q31.3.
Variant type: single nucleotide variant.
Coding change: c.3104G>A on transcript NM_000186.4 (MANE Select); coding-DNA position 3104, G replaced by A.
Protein change: p.Ser1035Asn; replaces serine 1035 with asparagine.
Molecular consequence: missense variant.
Genome position (GRCh38, 1-based): chr1:196,742,022, G>A. VCF-style: chr1-196742022-G-A. GRCh37 (hg19) VCF-style: chr1-196711152-G-A.
Other names: short protein forms S1035N.
Identifiers: ClinVar variation 3236014 (VCV003236014.3), dbSNP rs1421267465, ClinGen allele CA343982071.